The following is an entry in ClinVar:

NM_033305.3(VPS13A):c.4412G>A (p.Arg1471Gln)

Gene: VPS13A (vacuolar protein sorting 13 homolog A; plus strand). Cytogenetic location: 9q21.2.
Variant type: single nucleotide variant.
Coding change: c.4412G>A on transcript NM_033305.3 (MANE Select); coding-DNA position 4412, G replaced by A.
Protein change: p.Arg1471Gln; replaces arginine 1471 with glutamine.
Molecular consequence: missense variant.
Genome position (GRCh38, 1-based): chr9:77,314,664, G>A. VCF-style: chr9-77314664-G-A. GRCh37 (hg19) VCF-style: chr9-79929580-G-A.
Other names: c.4295G>A, p.Arg1432Gln (NM_001018037.2); c.4412G>A, p.Arg1471Gln (NM_001018038.3, NM_015186.4); short protein forms R1471Q, R1432Q.
Identifiers: ClinVar variation 2083591 (VCV002083591.2), dbSNP rs558129697, ClinGen allele CA5092509.

ClinVar aggregate classification (germline): Uncertain significance (1 of 4 stars; one submission).

gnomAD v4.1: 10 of 1,610,450 alleles (0.00062%); highest among the groups gnomAD compares: Non-Finnish European, 0.00076%; no homozygotes.

Submission:

Labcorp Genetics (formerly Invitae), Labcorp
Classification: Uncertain significance. Last evaluated: 2025-02-24. Review status: criteria provided, single submitter. Criteria: Invitae Variant Classification Sherloc (09022015). Collection method: clinical testing. Allele origin: germline.
Comment: This sequence change affects codon 1471 of the VPS13A mRNA. It is a 'silent' change, meaning that it does not change the encoded amino acid sequence of the VPS13A protein. This variant also falls at the last nucleotide of exon 37, which is part of the consensus splice site for this exon. This variant is present in population databases (rs558129697, gnomAD 0.004%). This variant has not been reported in the literature in individuals affected with VPS13A-related conditions. ClinVar contains an entry for this variant (Variation ID: 2083591). An algorithm developed to predict the effect of missense changes on protein structure and function outputs the following: PolyPhen-2: "Benign". The glutamine amino acid residue is found in multiple mammalian species, which suggests that this missense change does not adversely affect protein function. Variants that disrupt the consensus splice site are a relatively common cause of aberrant splicing (PMID: 17576681, 9536098). Algorithms developed to predict the effect of sequence changes on RNA splicing suggest that this variant may disrupt the consensus splice site. In summary, the available evidence is currently insufficient to determine the role of this variant in disease. Therefore, it has been classified as a Variant of Uncertain Significance.

Literature cited by the submitters: PubMed 17576681; PubMed 9536098.